The following is an entry in ClinVar:

ClinVar aggregate classification (germline): Likely benign. Review status: criteria provided, multiple submitters, no conflicts (2 of 4 stars). 3 submissions from 3 submitters: Likely benign (3). Last evaluated 2025-06-22.

Allele frequency attached by ClinVar (database versions not stated): gnomAD 0.00006 and 0.00007; ESP Exome Variant Server 0.00008.
gnomAD v4.1: 44 of 1,613,842 alleles (0.0027%); highest among the groups gnomAD compares: African/African-American, 0.004%; no homozygotes.

Submissions (3):

Labcorp Genetics (formerly Invitae), Labcorp
Classification: Likely benign. Last evaluated: 2025-06-22. Review status: criteria provided, single submitter. Criteria: Invitae Variant Classification Sherloc (09022015). Collection method: clinical testing. Allele origin: germline.

CeGaT Center for Human Genetics Tuebingen
Classification: Likely benign. Last evaluated: 2022-04-01. Review status: criteria provided, single submitter. Criteria: CeGaT Center For Human Genetics Tuebingen Variant Classification Criteria Version 2. Collection method: clinical testing. Allele origin: germline. Affected: yes. Observed: 1 variant allele.
Comment: PTPN23: BP4, BP7

Blueprint Genetics
Classification: Likely benign. Last evaluated: 2021-11-24. Review status: criteria provided, single submitter. Criteria: ACMG Guidelines, 2015. Collection method: clinical testing. Allele origin: germline.

NM_015466.4(PTPN23):c.672C>T (p.Pro224=)

Gene: PTPN23 (protein tyrosine phosphatase non-receptor type 23; plus strand). Cytogenetic location: 3p21.31.
Variant type: single nucleotide variant.
Coding change: c.672C>T on transcript NM_015466.4 (MANE Select); coding-DNA position 672, C replaced by T.
Protein change: p.Pro224=; no amino-acid change (proline 224 retained).
Molecular consequence: synonymous variant.
Genome position (GRCh38, 1-based): chr3:47,406,525, C>T. VCF-style: chr3-47406525-C-T. GRCh37 (hg19) VCF-style: chr3-47448015-C-T.
Other names: c.294C>T, p.Pro98= (NM_001304482.2).
Identifiers: ClinVar variation 1642147 (VCV001642147.33), dbSNP rs375545134, ClinGen allele CA2365421.